The following is an entry in ClinVar:

NM_003072.5(SMARCA4):c.1856T>C (p.Val619Ala)

Gene: SMARCA4 (SWI/SNF related BAF chromatin remodeling complex subunit ATPase 4; plus strand). Cytogenetic location: 19p13.2.
Variant type: single nucleotide variant.
Coding change: c.1856T>C on transcript NM_003072.5 (MANE Select); coding-DNA position 1856, T replaced by C.
Protein change: p.Val619Ala; replaces valine 619 with alanine.
Molecular consequence: missense variant. On other transcripts: non-coding transcript variant (1).
Genome position (GRCh38, 1-based): chr19:11,003,072, T>C. VCF-style: chr19-11003072-T-C. GRCh37 (hg19) VCF-style: chr19-11113748-T-C.
Other names: c.1856T>C, p.Val619Ala (NM_001128844.3, NM_001128845.2, NM_001128846.2 and 4 more transcripts); short protein forms V619A.
Identifiers: ClinVar variation 854264 (VCV000854264.9), dbSNP rs2087809409, ClinGen allele CA404051484.

ClinVar aggregate classification (germline): Uncertain significance (1 of 4 stars; one submission).

Conditions:
Rhabdoid tumor predisposition syndrome 2 (RTPS2). Identifiers: Orphanet 231108, Orphanet 69077, MedGen C2750074, MONDO:0013224, OMIM 613325.

Submission:

Labcorp Genetics (formerly Invitae), Labcorp
Classification: Uncertain significance for Rhabdoid tumor predisposition syndrome 2. Last evaluated: 2022-09-21. Review status: criteria provided, single submitter. Criteria: Invitae Variant Classification Sherloc (09022015). Collection method: clinical testing. Allele origin: germline.
Comment: This variant has not been reported in the literature in individuals affected with SMARCA4-related conditions. This variant is not present in population databases (gnomAD no frequency). This sequence change replaces valine, which is neutral and non-polar, with alanine, which is neutral and non-polar, at codon 619 of the SMARCA4 protein (p.Val619Ala). ClinVar contains an entry for this variant (Variation ID: 854264). In summary, the available evidence is currently insufficient to determine the role of this variant in disease. Therefore, it has been classified as a Variant of Uncertain Significance. Algorithms developed to predict the effect of missense changes on protein structure and function (SIFT, PolyPhen-2, Align-GVGD) all suggest that this variant is likely to be disruptive.